The following is an entry in ClinVar:

NM_001162501.2(TNRC6B):c.3163A>G (p.Asn1055Asp)

Gene: TNRC6B (trinucleotide repeat containing adaptor 6B; plus strand). Cytogenetic location: 22q13.1.
Variant type: single nucleotide variant.
Coding change: c.3163A>G on transcript NM_001162501.2 (MANE Select); coding-DNA position 3163, A replaced by G.
Protein change: p.Asn1055Asp; replaces asparagine 1055 with aspartic acid.
Molecular consequence: missense variant.
Genome position (GRCh38, 1-based): chr22:40,277,098, A>G. VCF-style: chr22-40277098-A-G. GRCh37 (hg19) VCF-style: chr22-40673102-A-G.
Other names: c.3163A>G (NM_001162501.1); c.922A>G, p.Asn308Asp (NM_001024843.2); c.3004A>G, p.Asn1002Asp (NM_015088.3); short protein forms N1002D, N1055D, N308D.
Identifiers: ClinVar variation 1676524 (VCV001676524.4), dbSNP rs2146517455, ClinGen allele CA411648165.

ClinVar aggregate classification (germline): Uncertain significance. Review status: criteria provided, multiple submitters, no conflicts (2 of 4 stars). 2 submissions from 2 submitters: Uncertain significance (2). Last evaluated 2022-09-02.

Conditions:
Global developmental delay with speech and behavioral abnormalities. Identifiers: MedGen C5543226, MONDO:0030995, OMIM 619243.

Submissions (2):

Victorian Clinical Genetics Services, Murdoch Childrens Research Institute
Classification: Uncertain significance for Global developmental delay with speech and behavioral abnormalities. Last evaluated: 2022-09-02. Review status: criteria provided, single submitter. Criteria: ACMG Guidelines, 2015. Collection method: clinical testing. Allele origin: germline. Inheritance: Autosomal dominant inheritance. Affected: yes.
Comment: Based on the classification scheme VCGS_Germline_v1.3.4, this variant is classified as VUS-3C. Following criteria are met: 0102 - Loss of function is a known mechanism of disease in this gene and is associated with global developmental delay with speech and behavioural abnormalities (MIM#619243). (I) 0107 - This gene is associated with autosomal dominant disease. (I) 0200 - Variant is predicted to result in a missense amino acid change from asparagine to aspartic acid. (I) 0251 - This variant is heterozygous. (I) 0301 - Variant is absent from gnomAD (both v2 and v3). (SP) 0309 - An alternative amino acid change at the same position has been observed in gnomAD (v3) (5 heterozygotes, 0 homozygotes). (I) 0503 - Missense variant consistently predicted to be tolerated by multiple in silico tools or not conserved in placental mammals with a minor amino acid change. (SB) 0600 - Variant is located in the annotated Ago_hook domain (DECIPHER). (I) 0705 - No comparable missense variants have previous evidence for pathogenicity. (I) 0807 - This variant has no previous evidence of pathogenicity. (I) 0905 - No published segregation evidence has been identified for this variant. (I) 1007 - No published functional evidence has been identified for this variant. (I) 1208 - Inheritance information for this variant is not currently available in this individual. (I) Legend: (SP) - Supporting pathogenic, (I) - Information, (SB) - Supporting benign

Greenwood Genetic Center Diagnostic Laboratories, Greenwood Genetic Center
Classification: Uncertain significance. Last evaluated: 2022-01-13. Review status: criteria provided, single submitter. Criteria: ACMG Guidelines, 2015. Collection method: clinical testing. Allele origin: germline. Affected: yes.
Comment: BP4, PM2